The following is an entry in ClinVar:

NM_001005164.2(OR52E2):c.80T>A (p.Ile27Asn)

Gene: OR52E2 (olfactory receptor family 52 subfamily E member 2; minus strand). Cytogenetic location: 11p15.4.
Variant type: single nucleotide variant.
Coding change: c.80T>A on transcript NM_001005164.2 (MANE Select); coding-DNA position 80, T replaced by A.
Protein change: p.Ile27Asn; replaces isoleucine 27 with asparagine.
Molecular consequence: missense variant.
Genome position (GRCh38, 1-based): chr11:5,059,548, A>T on the plus strand (T>A on the coding strand, the complement: OR52E2 is on the minus strand). VCF-style: chr11-5059548-A-T. GRCh37 (hg19) VCF-style: chr11-5080778-A-T.
Other names: short protein forms I27N.
Identifiers: ClinVar variation 5026099 (VCV005026099.1).
Genomic context (GRCh38, chr11:5,059,548, plus strand): 5'-ATAGTGAAGTTCCCTATGAGTGCGATCATGTACACAGCACAGAAGGGAAAGCCGATCCAG[A>T]TGTGAAGTGTTTCTAGTCCTGGGATCCCCAGCAACAGGAAGGAGGAGGGGTGAAACTGGG-3'
Protein context (NP_001005164.2, residues 17-37): LGIPGLETLH[Ile27Asn]WIGFPFCAVY

ClinVar aggregate classification (germline): Uncertain significance (1 of 4 stars; one submission).

Submission:

Ambry Genetics
Classification: Uncertain significance. Last evaluated: 2026-08-27. Review status: criteria provided, single submitter. Criteria: Ambry Variant Classification Scheme 2023. Collection method: clinical testing. Allele origin: germline.
Comment: The c.80T>A (p.I27N) alteration is located in exon 1 (coding exon 1) of the OR52E2 gene. This alteration results from a T to A substitution at nucleotide position 80, causing the isoleucine (I) at amino acid position 27 to be replaced by an asparagine (N). Based on data from gnomAD, the A allele has an overall frequency of 0.001% (2/250590) total alleles studied. The highest observed frequency was 0.007% (2/30590) of South Asian alleles. Based on insufficient or conflicting evidence, the clinical significance of this alteration remains unclear.